The following is an entry in ClinVar:

NM_001035.3(RYR2):c.8798T>C (p.Val2933Ala)

Gene: RYR2 (ryanodine receptor 2; plus strand). Cytogenetic location: 1q43.
Variant type: single nucleotide variant.
Coding change: c.8798T>C on transcript NM_001035.3 (MANE Select); coding-DNA position 8798, T replaced by C.
Protein change: p.Val2933Ala; replaces valine 2933 with alanine.
Molecular consequence: missense variant.
Genome position (GRCh38, 1-based): chr1:237,674,814, T>C. VCF-style: chr1-237674814-T-C. GRCh37 (hg19) VCF-style: chr1-237838114-T-C.
Other names: short protein forms V2933A.
Identifiers: ClinVar variation 4756536 (VCV004756536.1).

ClinVar aggregate classification (germline): Uncertain significance (1 of 4 stars; one submission).

Conditions:
Cardiomyopathy (CMYO). Also called: Cardiomyopathies. Identifiers: Orphanet 167848, MedGen C0878544, MONDO:0004994, HP:0001638. Inheritance: Various modes of inheritance.

Submission:

Color Diagnostics, LLC DBA Color Health
Classification: Uncertain significance for Cardiomyopathy. Last evaluated: 2025-09-11. Review status: criteria provided, single submitter. Criteria: ACMG Guidelines, 2015. Collection method: clinical testing. Allele origin: germline.
Comment: This missense variant replaces valine with alanine at codon 2933 of the RYR2 protein. Computational prediction suggests that this variant may have deleterious impact on protein structure and function. To our knowledge, functional studies have not been reported for this variant. This variant has not been reported in individuals affected with RYR2-related disorders in the literature. This variant has not been identified in the general population by the Genome Aggregation Database (gnomAD). The available evidence is insufficient to determine the role of this variant in disease conclusively. Therefore, this variant is classified as a Variant of Uncertain Significance.